The following is an entry in ClinVar:

NM_006662.3(SRCAP):c.6598T>A (p.Tyr2200Asn)

Gene: SRCAP (Snf2 related CREBBP activator protein; plus strand). Cytogenetic location: 16p11.2.
Variant type: single nucleotide variant.
Coding change: c.6598T>A on transcript NM_006662.3 (MANE Select); coding-DNA position 6598, T replaced by A.
Protein change: p.Tyr2200Asn; replaces tyrosine 2200 with asparagine.
Molecular consequence: missense variant.
Genome position (GRCh38, 1-based): chr16:30,733,997, T>A. VCF-style: chr16-30733997-T-A. GRCh37 (hg19) VCF-style: chr16-30745318-T-A.
Other names: short protein forms Y2200N.
Identifiers: ClinVar variation 3630626 (VCV003630626.2).
Genomic context (GRCh38, chr16:30,733,997, plus strand): 5'-GCAAATCAGAAGAGAATGTTGGGGGACATGGCCATTGAGGGAGGCAACTTCACCACAGCC[T>A]ATTTCAAACAGGTACTAAGTAAGATCTTTTAGCCTATGCAGGAGAAAACTGCTGCGCCTT-3'
Protein context (NP_006653.2, residues 2190-2210): AIEGGNFTTA[Tyr2200Asn]FKQQTIRELF

ClinVar aggregate classification (germline): Uncertain significance (1 of 4 stars; one submission).

gnomAD v4.1: 8 of 1,608,260 alleles (0.0005%); highest among the groups gnomAD compares: Non-Finnish European, 0.00068%; no homozygotes.

Submission:

Labcorp Genetics (formerly Invitae), Labcorp
Classification: Uncertain significance. Last evaluated: 2024-05-29. Review status: criteria provided, single submitter. Criteria: Invitae Variant Classification Sherloc (09022015). Collection method: clinical testing. Allele origin: germline.
Comment: This sequence change replaces tyrosine, which is neutral and polar, with asparagine, which is neutral and polar, at codon 2200 of the SRCAP protein (p.Tyr2200Asn). The frequency data for this variant in the population databases is considered unreliable, as metrics indicate poor data quality at this position in the gnomAD database. This variant has not been reported in the literature in individuals affected with SRCAP-related conditions. Advanced modeling of protein sequence and biophysical properties (such as structural, functional, and spatial information, amino acid conservation, physicochemical variation, residue mobility, and thermodynamic stability) performed at Invitae indicates that this missense variant is not expected to disrupt SRCAP protein function with a negative predictive value of 80%. In summary, the available evidence is currently insufficient to determine the role of this variant in disease. Therefore, it has been classified as a Variant of Uncertain Significance.